The following is an entry in ClinVar:

NM_000368.5(TSC1):c.106+10A>G

Gene: TSC1 (TSC complex subunit 1; minus strand). Cytogenetic location: 9q34.13.
Variant type: single nucleotide variant.
Coding change: c.106+10A>G on transcript NM_000368.5 (MANE Select); 10 bases into the intron after coding-DNA position 106, A replaced by G.
Molecular consequence: intron variant.
Genome position (GRCh38, 1-based): chr9:132,928,757, T>C on the plus strand (A>G on the coding strand, the complement: TSC1 is on the minus strand). VCF-style: chr9-132928757-T-C. GRCh37 (hg19) VCF-style: chr9-135804144-T-C.
Other names: c.-154+10A>G (NM_001362177.2); c.106+10A>G (NM_001162427.2, NM_001162426.2).
Identifiers: ClinVar variation 1408519 (VCV001408519.9), dbSNP rs2132293220, ClinGen allele CA2573144246.

ClinVar aggregate classification (germline): Uncertain significance (1 of 4 stars; one submission).

Conditions:
Tuberous sclerosis 1 (TSC1). Identifiers: Orphanet 805, MedGen C1854465, MONDO:0008612, OMIM 191100.

Allele frequency attached by ClinVar (database versions not stated): gnomAD exomes below 0.00001.
gnomAD v4.1: 1 of 1,613,968 alleles (0.000062%); highest among the groups gnomAD compares: African/African-American, 0.0013%; no homozygotes.

Submission:

Labcorp Genetics (formerly Invitae), Labcorp
Classification: Uncertain significance for Tuberous sclerosis 1. Last evaluated: 2025-11-05. Review status: criteria provided, single submitter. Criteria: Invitae Variant Classification Sherloc (09022015). Collection method: clinical testing. Allele origin: germline.
Comment: This sequence change falls in intron 3 of the TSC1 gene. It does not directly change the encoded amino acid sequence of the TSC1 protein. This variant is not present in population databases (gnomAD no frequency). This variant has not been reported in the literature in individuals affected with TSC1-related conditions. ClinVar contains an entry for this variant (Variation ID: 1408519). Algorithms developed to predict the effect of sequence changes on RNA splicing suggest that this variant may create or strengthen a splice site. In summary, the available evidence is currently insufficient to determine the role of this variant in disease. Therefore, it has been classified as a Variant of Uncertain Significance.